The following is an entry in ClinVar:

ClinVar aggregate classification (germline): Likely benign (1 of 4 stars; one submission).

gnomAD v4.1: 346 of 1,505,914 alleles (0.023%); highest among the groups gnomAD compares: Middle Eastern, 0.12%; 35 homozygotes.

Submission:

CeGaT Center for Human Genetics Tuebingen
Classification: Likely benign. Last evaluated: 2026-01-01. Review status: criteria provided, single submitter. Criteria: CeGaT Center For Human Genetics Tuebingen Variant Classification Criteria Version 2. Collection method: clinical testing. Allele origin: germline. Affected: yes. Observed: 1 variant allele.
Comment: FAM90A20: BS2

NM_001423532.1(FAM90A20):c.481A>T (p.Met161Leu)

Gene: FAM90A20 (family with sequence similarity 90 member A20). Cytogenetic location: 8p23.1.
Variant type: single nucleotide variant.
Coding change: c.481A>T on transcript NM_001423532.1 (MANE Select); coding-DNA position 481, A replaced by T.
Protein change: p.Met161Leu; replaces methionine 161 with leucine.
Molecular consequence: missense variant.
Genome position (GRCh38, 1-based): chr8:7,297,110, A>T. VCF-style: chr8-7297110-A-T. GRCh37 (hg19) VCF-style: chr8-7154632-A-T.
Other names: short protein forms M161L.
Identifiers: ClinVar variation 4821527 (VCV004821527.4).